The following is an entry in ClinVar:

NM_014251.3(SLC25A13):c.798C>T (p.Pro266=)

Gene: SLC25A13 (solute carrier family 25 member 13; minus strand). Cytogenetic location: 7q21.3.
Variant type: single nucleotide variant.
Coding change: c.798C>T on transcript NM_014251.3 (MANE Select); coding-DNA position 798, C replaced by T.
Protein change: p.Pro266=; no amino-acid change (proline 266 retained).
Molecular consequence: synonymous variant. On other transcripts: non-coding transcript variant (1).
Genome position (GRCh38, 1-based): chr7:96,189,631, G>A on the plus strand (C>T on the coding strand, the complement: SLC25A13 is on the minus strand). VCF-style: chr7-96189631-G-A. GRCh37 (hg19) VCF-style: chr7-95818943-G-A.
Other names: c.798C>T, p.Pro266= (NM_001160210.2); c.798C>T (NM_014251.2).
Identifiers: ClinVar variation 1593130 (VCV001593130.10), dbSNP rs988236127, ClinGen allele CA162994505.

ClinVar aggregate classification (germline): Likely benign. Review status: criteria provided, multiple submitters, no conflicts (2 of 4 stars). 3 submissions from 3 submitters: Likely benign (3). Last evaluated 2026-02-10.

Conditions:
SLC25A13-related disorder. Also called: SLC25A13-related condition.
Citrin deficiency. Identifiers: Orphanet 247582, MedGen C1997910, MONDO:0016602.

Allele frequency attached by ClinVar (database versions not stated): gnomAD exomes below 0.00001 and 0.00002; gnomAD 0.00002; TOPMed 0.00002.
gnomAD v4.1: 37 of 1,612,778 alleles (0.0023%); highest among the groups gnomAD compares: Non-Finnish European, 0.0031%; no homozygotes.

Submissions (3):

PreventionGenetics, part of Exact Sciences
Classification: Likely benign for SLC25A13-related condition. Last evaluated: 2026-02-10. Review status: criteria provided, single submitter. Criteria: ACMG Guidelines, 2015. Collection method: clinical testing. Allele origin: germline.
Comment: This variant is classified as likely benign based on ACMG/AMP sequence variant interpretation guidelines (Richards et al. 2015 PMID: 25741868, with internal and published modifications).

Blueprint Genetics
Classification: Likely benign. Last evaluated: 2024-10-22. Review status: criteria provided, single submitter. Criteria: ACMG Guidelines, 2015. Collection method: clinical testing. Allele origin: germline.

Labcorp Genetics (formerly Invitae), Labcorp
Classification: Likely benign for Citrin deficiency. Last evaluated: 2024-10-03. Review status: criteria provided, single submitter. Criteria: Invitae Variant Classification Sherloc (09022015). Collection method: clinical testing. Allele origin: germline.